The following is an entry in ClinVar:

NM_152564.5(VPS13B):c.10610C>T (p.Ser3537Phe)

Gene: VPS13B (vacuolar protein sorting 13 homolog B; plus strand). Cytogenetic location: 8q22.2.
Variant type: single nucleotide variant.
Coding change: c.10610C>T on transcript NM_152564.5 (MANE Select); coding-DNA position 10610, C replaced by T.
Protein change: p.Ser3537Phe; replaces serine 3537 with phenylalanine.
Molecular consequence: missense variant.
Genome position (GRCh38, 1-based): chr8:99,853,999, C>T. VCF-style: chr8-99853999-C-T. GRCh37 (hg19) VCF-style: chr8-100866227-C-T.
Other names: c.10685C>T, p.Ser3562Phe (NM_017890.5); short protein forms S3537F, S3562F.
Identifiers: ClinVar variation 3354626 (VCV003354626.1).

ClinVar aggregate classification (germline): Uncertain significance (0 of 4 stars; one submission).

Conditions:
VPS13B-related disorder. Also called: VPS13B-related condition.

gnomAD v4.1: 2 of 1,614,232 alleles (0.00012%); highest among the groups gnomAD compares: Admixed American, 0.0017%; no homozygotes.

Submission:

PreventionGenetics, part of Exact Sciences
Classification: Uncertain significance for VPS13B-related condition. Last evaluated: 2023-12-27. Review status: no assertion criteria provided. Collection method: clinical testing. Allele origin: germline.
Comment: The VPS13B c.10610C>T variant is predicted to result in the amino acid substitution p.Ser3537Phe. To our knowledge, this variant has not been reported in the literature. This variant is reported in 0.0029% of alleles in individuals of Latino descent in gnomAD. At this time, the clinical significance of this variant is uncertain due to the absence of conclusive functional and genetic evidence.